The following is an entry in ClinVar:

NM_000132.4(F8):c.6483T>A (p.Pro2161=)

Gene: F8 (coagulation factor VIII; minus strand). Cytogenetic location: Xq28.
Variant type: single nucleotide variant.
Coding change: c.6483T>A on transcript NM_000132.4 (MANE Select); coding-DNA position 6483, T replaced by A.
Protein change: p.Pro2161=; no amino-acid change (proline 2161 retained).
Molecular consequence: synonymous variant.
Genome position (GRCh38, 1-based): chrX:154,863,174, A>T on the plus strand (T>A on the coding strand, the complement: F8 is on the minus strand). VCF-style: chrX-154863174-A-T. GRCh37 (hg19) VCF-style: chrX-154091449-A-T.
Other names: c.78T>A, p.Pro26= (NM_019863.3).
Identifiers: ClinVar variation 2583088 (VCV002583088.25), dbSNP rs2072706859, ClinGen allele CA519357945.
Genomic context (GRCh38, chrX:154,863,174, plus strand): 5'-AAGAGTGCTGCGAATGCTATAATGAGTTGGGTGCAAACGGATGTATCGAGCAATAATTGG[A>T]GGGTTAAAAATATTGTGTTTTATCCCAGATGAATCCACATTGCCAAAGAAGACCTGTATG-3'
Protein context (NP_000123.1, residues 2151-2171): SSGIKHNIFN[Pro2161=]PIIARYIRLH

ClinVar aggregate classification (germline): Likely benign (1 of 4 stars; one submission).

Allele frequency attached by ClinVar (database versions not stated): gnomAD exomes 0.00001.
gnomAD v4.1: 9 of 1,209,193 alleles (0.00074%); highest among the groups gnomAD compares: Non-Finnish European, 0.001%; no homozygotes.

Submission:

CeGaT Center for Human Genetics Tuebingen
Classification: Likely benign. Last evaluated: 2023-09-01. Review status: criteria provided, single submitter. Criteria: CeGaT Center For Human Genetics Tuebingen Variant Classification Criteria Version 2. Collection method: clinical testing. Allele origin: germline. Affected: yes. Observed: 1 variant allele.
Comment: F8: PM2:Supporting, BP4, BP7